The following is an entry in ClinVar:

ClinVar aggregate classification (germline): Pathogenic (1 of 4 stars; one submission).

Conditions:
Immunodeficiency, common variable, 7. Identifiers: Orphanet 1572, Orphanet 696894, MedGen C3542922, MONDO:0013862, OMIM 614699.

Allele frequency attached by ClinVar (database versions not stated): gnomAD exomes 0.00010; 1000 Genomes Project 30x 0.00047; gnomAD 0.00005 and 0.00004; 1000 Genomes Project 0.00060; TOPMed 0.00007; ExAC 0.00007.
gnomAD v4.1: 43 of 1,613,270 alleles (0.0027%); highest among the groups gnomAD compares: East Asian, 0.045%; no homozygotes.

Submission:

Labcorp Genetics (formerly Invitae), Labcorp
Classification: Pathogenic for Immunodeficiency, common variable, 7. Last evaluated: 2025-12-17. Review status: criteria provided, single submitter. Criteria: Invitae Variant Classification Sherloc (09022015). Collection method: clinical testing. Allele origin: germline.
Comment: This sequence change creates a premature translational stop signal (p.Arg1080*) in the CR2 gene. It is expected to result in an absent or disrupted protein product. Loss-of-function variants in CR2 are known to be pathogenic (PMID: 26325596, 28499783). This variant is present in population databases (rs185689791, gnomAD 0.08%). This variant has not been reported in the literature in individuals affected with CR2-related conditions. ClinVar contains an entry for this variant (Variation ID: 573311). For these reasons, this variant has been classified as Pathogenic.

Literature cited by the submitters: PubMed 26325596; PubMed 28499783.

NM_001006658.3(CR2):c.3238C>T (p.Arg1080Ter)

Gene: CR2 (complement C3d receptor 2; plus strand). Cytogenetic location: 1q32.2.
Variant type: single nucleotide variant.
Coding change: c.3238C>T on transcript NM_001006658.3 (MANE Select); coding-DNA position 3238, C replaced by T.
Protein change: p.Arg1080Ter; replaces arginine 1080 with a stop codon.
Molecular consequence: nonsense.
Genome position (GRCh38, 1-based): chr1:207,485,513, C>T. VCF-style: chr1-207485513-C-T. GRCh37 (hg19) VCF-style: chr1-207658858-C-T.
Other names: c.3061C>T, p.Arg1021Ter (NM_001877.5); short protein forms R1080*, R1021*.
Identifiers: ClinVar variation 573311 (VCV000573311.12), dbSNP rs185689791, ClinGen allele CA1369197.
Genomic context (GRCh38, chr1:207,485,513, plus strand): 5'-CTTCTGTTTAGCAATTATTATACAGATACAAGCCAGAAAGAAGCTTTTCATTTAGAAGCA[C>T]GAGAAGTATATTCTGTTGATCCATACAACCCAGCCAGCTGATCAGAAGACAAACTGGTGG-3'